The following is an entry in ClinVar:

NM_018297.4(NGLY1):c.776C>G (p.Ser259Cys)

Gene: NGLY1 (N-glycanase 1; minus strand). Cytogenetic location: 3p24.2.
Variant type: single nucleotide variant.
Coding change: c.776C>G on transcript NM_018297.4 (MANE Select); coding-DNA position 776, C replaced by G.
Protein change: p.Ser259Cys; replaces serine 259 with cysteine.
Molecular consequence: missense variant.
Genome position (GRCh38, 1-based): chr3:25,739,682, G>C on the plus strand (C>G on the coding strand, the complement: NGLY1 is on the minus strand). VCF-style: chr3-25739682-G-C. GRCh37 (hg19) VCF-style: chr3-25781173-G-C.
Other names: c.776C>G, p.Ser259Cys (NM_001145293.2, NM_001145295.2); c.650C>G, p.Ser217Cys (NM_001145294.2); short protein forms S259C, S217C.
Identifiers: ClinVar variation 1030644 (VCV001030644.1), dbSNP rs1706027679, ClinGen allele CA351903605.

ClinVar aggregate classification (germline): Uncertain significance (1 of 4 stars; one submission).

Conditions:
Congenital disorder of deglycosylation (CDDG). Identifiers: MedGen C3808991, MONDO:0031376.

gnomAD v4.1: 12 of 1,614,020 alleles (0.00074%); highest among the groups gnomAD compares: Non-Finnish European, 0.001%; no homozygotes.

Submission:

Baylor Genetics
Classification: Uncertain significance for Congenital disorder of deglycosylation 1. Last evaluated: 2020-10-09. Review status: criteria provided, single submitter. Criteria: ACMG Guidelines, 2015. Collection method: clinical testing. Allele origin: unknown. Affected: yes.
Comment: This variant was determined to be of uncertain significance according to ACMG Guidelines, 2015 [PMID:25741868].